The following is an entry in ClinVar:

NM_000455.5(STK11):c.734+5G>C

Gene: STK11 (serine/threonine kinase 11; plus strand). Cytogenetic location: 19p13.3.
Variant type: single nucleotide variant.
Coding change: c.734+5G>C on transcript NM_000455.5 (MANE Select); 5 bases into the intron after coding-DNA position 734, G replaced by C.
Molecular consequence: intron variant.
Genome position (GRCh38, 1-based): chr19:1,220,722, G>C. VCF-style: chr19-1220722-G-C. GRCh37 (hg19) VCF-style: chr19-1220721-G-C.
Other names: c.734+5G>C (NM_001407255.1).
Identifiers: ClinVar variation 4726500 (VCV004726500.1).
Genomic context (GRCh38, chr19:1,220,722, plus strand): 5'-GGCCTGGACACCTTCTCCGGCTTCAAGGTGGACATCTGGTCGGCTGGGGTCACCCTGTAA[G>C]TGCCCCGCCCCCCCGGGCACTCACCACACGCACACTCCGAGGGGCCTCTGCGTCTTGGGC-3'

ClinVar aggregate classification (germline): Uncertain significance (1 of 4 stars; one submission).

Conditions:
Peutz-Jeghers syndrome (PJS). Also called: POLYPOSIS, HAMARTOMATOUS INTESTINAL; POLYPS-AND-SPOTS SYNDROME; Peutz-Jeghers polyposis; Periorificial lentiginosis syndrome. Identifiers: Orphanet 2869, MedGen C0031269, MeSH D010580, MONDO:0008280, OMIM 175200.

Submission:

Labcorp Genetics (formerly Invitae), Labcorp
Classification: Uncertain significance for Peutz-Jeghers syndrome. Last evaluated: 2025-09-02. Review status: criteria provided, single submitter. Criteria: Invitae Variant Classification Sherloc (09022015). Collection method: clinical testing. Allele origin: germline.
Comment: This sequence change falls in intron 5 of the STK11 gene. It does not directly change the encoded amino acid sequence of the STK11 protein. It affects a nucleotide within the consensus splice site. This variant is not present in population databases (gnomAD no frequency). This variant has been observed in individual(s) with clinical features of Peutz-Jeghers syndrome (internal data). Variants that disrupt the consensus splice site are a relatively common cause of aberrant splicing (PMID: 17576681, 9536098). Algorithms developed to predict the effect of sequence changes on RNA splicing suggest that this variant may disrupt the consensus splice site. This variant disrupts the c.734+5G nucleotide in the STK11 gene. Other variant(s) that disrupt this nucleotide have been determined to be pathogenic (PMID: 9837816, 27721366; internal data). This suggests that this nucleotide is clinically significant, and that variants that disrupt this position are likely to be disease-causing. In summary, the available evidence is currently insufficient to determine the role of this variant in disease. Therefore, it has been classified as a Variant of Uncertain Significance.

Literature cited by the submitters: PubMed 17576681; PubMed 9536098; PubMed 9837816; PubMed 27721366.